The following is an entry in ClinVar:

ClinVar aggregate classification (germline): Uncertain significance (1 of 4 stars; one submission).

Submission:

Labcorp Genetics (formerly Invitae), Labcorp
Classification: Uncertain significance. Last evaluated: 2025-05-19. Review status: criteria provided, single submitter. Criteria: Invitae Variant Classification Sherloc (09022015). Collection method: clinical testing. Allele origin: germline.
Comment: This sequence change replaces glutamine, which is neutral and polar, with lysine, which is basic and polar, at codon 181 of the KLF10 protein (p.Gln181Lys). This variant is not present in population databases (gnomAD no frequency). This variant has not been reported in the literature in individuals affected with KLF10-related conditions. An algorithm developed to predict the effect of missense changes on protein structure and function (PolyPhen-2) suggests that this variant is likely to be tolerated. In summary, the available evidence is currently insufficient to determine the role of this variant in disease. Therefore, it has been classified as a Variant of Uncertain Significance.

NM_005655.4(KLF10):c.541C>A (p.Gln181Lys)

Gene: KLF10 (KLF transcription factor 10; minus strand). Cytogenetic location: 8q22.3.
Variant type: single nucleotide variant.
Coding change: c.541C>A on transcript NM_005655.4 (MANE Select); coding-DNA position 541, C replaced by A.
Protein change: p.Gln181Lys; replaces glutamine 181 with lysine.
Molecular consequence: missense variant.
Genome position (GRCh38, 1-based): chr8:102,651,791, G>T on the plus strand (C>A on the coding strand, the complement: KLF10 is on the minus strand). VCF-style: chr8-102651791-G-T. GRCh37 (hg19) VCF-style: chr8-103664019-G-T.
Other names: c.508C>A, p.Gln170Lys (NM_001032282.4); short protein forms Q181K, Q170K.
Identifiers: ClinVar variation 4706558 (VCV004706558.1).